The following is an entry in ClinVar:

NM_001321075.3(DLG4):c.1367T>C (p.Phe456Ser)

Gene: DLG4 (discs large MAGUK scaffold protein 4; minus strand). Cytogenetic location: 17p13.1.
Variant type: single nucleotide variant.
Coding change: c.1367T>C on transcript NM_001321075.3 (MANE Select); coding-DNA position 1367, T replaced by C.
Protein change: p.Phe456Ser; replaces phenylalanine 456 with serine.
Molecular consequence: missense variant. On other transcripts: non-coding transcript variant (1).
Genome position (GRCh38, 1-based): chr17:7,194,430, A>G on the plus strand (T>C on the coding strand, the complement: DLG4 is on the minus strand). VCF-style: chr17-7194430-A-G. GRCh37 (hg19) VCF-style: chr17-7097749-A-G.
Other names: c.1358T>C, p.Phe453Ser (NM_001128827.4); c.1487T>C, p.Phe496Ser (NM_001321074.1); c.1187T>C, p.Phe396Ser (NM_001321076.3, NM_001321077.3); c.1496T>C, p.Phe499Ser (NM_001365.5); c.1286T>C, p.Phe429Ser (NM_001369566.3); short protein forms F396S, F429S, F453S, F456S, F496S, F499S.
Identifiers: ClinVar variation 3252308 (VCV003252308.1), dbSNP rs2507929871.

ClinVar aggregate classification (germline): Uncertain significance (1 of 4 stars; one submission).

Submission:

GeneDx
Classification: Uncertain significance. Last evaluated: 2023-12-06. Review status: criteria provided, single submitter. Criteria: GeneDx Variant Classification Process June 2021. Collection method: clinical testing. Allele origin: germline. Affected: yes.
Comment: Not observed at significant frequency in large population cohorts (gnomAD); In silico analysis supports that this missense variant has a deleterious effect on protein structure/function; Has not been previously published as pathogenic or benign to our knowledge